The following is an entry in ClinVar:

ClinVar aggregate classification (germline): Uncertain significance (1 of 4 stars; one submission).

Allele frequency attached by ClinVar (database versions not stated): gnomAD exomes below 0.00001.
gnomAD v4.1: 2 of 1,613,534 alleles (0.00012%); highest among the groups gnomAD compares: African/African-American, 0.0013%; no homozygotes.

Submission:

Labcorp Genetics (formerly Invitae), Labcorp
Classification: Uncertain significance. Last evaluated: 2021-12-23. Review status: criteria provided, single submitter. Criteria: Invitae Variant Classification Sherloc (09022015). Collection method: clinical testing. Allele origin: germline.
Comment: This variant is not present in population databases (gnomAD no frequency). This sequence change replaces tyrosine, which is neutral and polar, with cysteine, which is neutral and slightly polar, at codon 350 of the TTLL5 protein (p.Tyr350Cys). This variant has not been reported in the literature in individuals affected with TTLL5-related conditions. Algorithms developed to predict the effect of missense changes on protein structure and function (SIFT, PolyPhen-2, Align-GVGD) all suggest that this variant is likely to be disruptive. In summary, the available evidence is currently insufficient to determine the role of this variant in disease. Therefore, it has been classified as a Variant of Uncertain Significance.

NM_015072.5(TTLL5):c.1049A>G (p.Tyr350Cys)

Gene: TTLL5 (tubulin tyrosine ligase like 5; plus strand). Cytogenetic location: 14q24.3.
Variant type: single nucleotide variant.
Coding change: c.1049A>G on transcript NM_015072.5 (MANE Select); coding-DNA position 1049, A replaced by G.
Protein change: p.Tyr350Cys; replaces tyrosine 350 with cysteine.
Molecular consequence: missense variant.
Genome position (GRCh38, 1-based): chr14:75,732,344, A>G. VCF-style: chr14-75732344-A-G. GRCh37 (hg19) VCF-style: chr14-76198687-A-G.
Other names: short protein forms Y350C.
Identifiers: ClinVar variation 1978142 (VCV001978142.5), dbSNP rs2503122876, ClinGen allele CA390461004.
Genomic context (GRCh38, chr14:75,732,344, plus strand): 5'-TGTAGTTGTGACATGGAAAATGATCTTGTGTATTGTGTTGTGTTGTATTTCTAGAACTCT[A>G]TGGCTTTGACGTGCTCATAGATTCTACTCTGAAGCCATGGTTGTTGGAAGTGAATCTCTC-3'
Protein context (NP_055887.3, residues 340-360): VPHRSSCFEL[Tyr350Cys]GFDVLIDSTL